The following is an entry in ClinVar:

NM_006516.4(SLC2A1):c.1279-1G>C

Gene: SLC2A1 (solute carrier family 2 member 1; minus strand). Cytogenetic location: 1p34.2.
Variant type: single nucleotide variant.
Coding change: c.1279-1G>C on transcript NM_006516.4 (MANE Select); the canonical splice acceptor site of the intron before coding-DNA position 1279, G replaced by C.
Molecular consequence: splice acceptor variant.
Genome position (GRCh38, 1-based): chr1:42,927,242, C>G on the plus strand (G>C on the coding strand, the complement: SLC2A1 is on the minus strand). VCF-style: chr1-42927242-C-G. GRCh37 (hg19) VCF-style: chr1-43392913-C-G.
Identifiers: ClinVar variation 3054570 (VCV003054570.2), dbSNP rs2524982606, ClinGen allele CA339953587.
Genomic context (GRCh38, chr1:42,927,242, plus strand): 5'-GATGAAGAACAGAACCAGGAGCACAGTGAAGATGATGAAGACGTAGGGACCACACAGTTG[C>G]TGAAAGACACACAGACACACTTGGTTGGAGTCATGACCCTACATCCTGGCTGTAGGACTT-3'

ClinVar aggregate classification (germline): Pathogenic (0 of 4 stars; one submission).

Conditions:
SLC2A1-related disorder. Also called: SLC2A1-related disorders; SLC2A1-related condition.

Submission:

PreventionGenetics, part of Exact Sciences
Classification: Pathogenic for SLC2A1-related condition. Last evaluated: 2024-03-13. Review status: no assertion criteria provided. Collection method: clinical testing. Allele origin: germline.
Comment: The SLC2A1 c.1279-1G>C variant is predicted to disrupt the AG splice acceptor site and interfere with normal splicing. This variant was reported in at least two individuals with glucose transporter type 1 deficiency syndrome (Ticus et al. 2008. PubMed ID: 18556184; Leen et al. 2010. PubMed ID: 20129935). An alternate nucleotide change at the same genomic position (c.1279-1G>A) has been reported in an individual with glucose transporter-1 deficiency syndrome (Ito et al. 2015. PubMed ID: 25487684). This variant has not been reported in a large population database, indicating this variant is rare. Variants that disrupt the consensus splice acceptor site in SLC2A1 are expected to be pathogenic. This variant is interpreted as likely pathogenic.